The following is an entry in ClinVar:

ClinVar aggregate classification (germline): Uncertain significance (1 of 4 stars; one submission).

Conditions:
Epidermodysplasia verruciformis. Identifiers: Orphanet 302, MedGen C0014522, MONDO:0009176.

Submission:

Labcorp Genetics (formerly Invitae), Labcorp
Classification: Uncertain significance for Epidermodysplasia verruciformis. Last evaluated: 2020-03-12. Review status: criteria provided, single submitter. Criteria: Invitae Variant Classification Sherloc (09022015). Collection method: clinical testing. Allele origin: germline.
Comment: This sequence change replaces valine with methionine at codon 728 of the TMC6 protein (p.Val728Met). The valine residue is weakly conserved and there is a small physicochemical difference between valine and methionine. This variant is not present in population databases (ExAC no frequency). This variant has not been reported in the literature in individuals with TMC6-related conditions. Algorithms developed to predict the effect of missense changes on protein structure and function are either unavailable or do not agree on the potential impact of this missense change (SIFT: "Not Available"; PolyPhen-2: "Benign"; Align-GVGD: "Not Available"). In summary, the available evidence is currently insufficient to determine the role of this variant in disease. Therefore, it has been classified as a Variant of Uncertain Significance.

NM_001127198.5(TMC6):c.2182G>A (p.Val728Met)

Gene: TMC6 (transmembrane channel like 6; minus strand). Cytogenetic location: 17q25.3.
Variant type: single nucleotide variant.
Coding change: c.2182G>A on transcript NM_001127198.5 (MANE Select); coding-DNA position 2182, G replaced by A.
Protein change: p.Val728Met; replaces valine 728 with methionine.
Molecular consequence: missense variant.
Genome position (GRCh38, 1-based): chr17:78,117,484, C>T on the plus strand (G>A on the coding strand, the complement: TMC6 is on the minus strand). VCF-style: chr17-78117484-C-T. GRCh37 (hg19) VCF-style: chr17-76113565-C-T.
Other names: c.2182G>A, p.Val728Met (NM_001321185.1, NM_001374596.1, NM_001375353.1 and 2 more transcripts); c.2002G>A, p.Val668Met (NM_001374593.1, NM_001374594.1); short protein forms V668M, V728M.
Identifiers: ClinVar variation 1022356 (VCV001022356.7), dbSNP rs2074185487, ClinGen allele CA401224830.
Genomic context (GRCh38, chr17:78,117,484, plus strand): 5'-GCGAGGGCCATCTCCCCAGGGCCGCCCCCACCTGCGGGACTCACAGCAGCAGGGCTGACA[C>T]CAGGAAGACAAAGAAGGTGTTTTCCATCAGGTACCGGTGCACCCAGGGCAGCCAGGAGAC-3'
Protein context (NP_001120670.1, residues 718-738): LMENTFFVFL[Val728Met]SALLLAVIYL